The following is an entry in ClinVar:

NM_002067.5(GNA11):c.726G>A (p.Ser242=)

Gene: GNA11 (G protein subunit alpha 11; plus strand). Cytogenetic location: 19p13.3.
Variant type: single nucleotide variant.
Coding change: c.726G>A on transcript NM_002067.5 (MANE Select); coding-DNA position 726, G replaced by A.
Protein change: p.Ser242=; no amino-acid change (serine 242 retained).
Molecular consequence: synonymous variant.
Genome position (GRCh38, 1-based): chr19:3,119,044, G>A. VCF-style: chr19-3119044-G-A. GRCh37 (hg19) VCF-style: chr19-3119042-G-A.
Other names: c.726G>A (NM_002067.4).
Identifiers: ClinVar variation 1568216 (VCV001568216.10), dbSNP rs149637752, ClinGen allele CA9074972.

ClinVar aggregate classification (germline): Benign/Likely benign. Review status: criteria provided, multiple submitters, no conflicts (2 of 4 stars). 3 submissions from 3 submitters: Benign (1); Likely benign (2). Last evaluated 2025-12-29.

Conditions:
GNA11-related disorder. Also called: GNA11-related condition.

Allele frequency attached by ClinVar (database versions not stated): gnomAD exomes 0.00007 and 0.00016; ExAC 0.00018; gnomAD 0.00019 and 0.00022; TOPMed 0.00029; ESP Exome Variant Server 0.00031; 1000 Genomes Project 0.00040; 1000 Genomes Project 30x 0.00047.
gnomAD v4.1: 140 of 1,613,786 alleles (0.0087%); highest among the groups gnomAD compares: South Asian, 0.078%; 1 homozygote.

Submissions (3):

Center for Genomic Medicine, Rigshospitalet, Copenhagen University Hospital
Classification: Likely benign. Last evaluated: 2025-12-29. Review status: criteria provided, single submitter. Criteria: ACMG Guidelines, 2015. Collection method: clinical testing. Allele origin: germline.

Labcorp Genetics (formerly Invitae), Labcorp
Classification: Benign. Last evaluated: 2025-12-07. Review status: criteria provided, single submitter. Criteria: Invitae Variant Classification Sherloc (09022015). Collection method: clinical testing. Allele origin: germline.

PreventionGenetics, part of Exact Sciences
Classification: Likely benign for GNA11-related condition. Last evaluated: 2025-06-09. Review status: criteria provided, single submitter. Criteria: ACMG Guidelines, 2015. Collection method: clinical testing. Allele origin: germline.
Comment: This variant is classified as likely benign based on ACMG/AMP sequence variant interpretation guidelines (Richards et al. 2015 PMID: 25741868, with internal and published modifications).